The following is an entry in ClinVar:

NM_001130144.3(LTBP3):c.2096C>A (p.Pro699His)

Gene: LTBP3 (latent transforming growth factor beta binding protein 3; minus strand). Cytogenetic location: 11q13.1.
Variant type: single nucleotide variant.
Coding change: c.2096C>A on transcript NM_001130144.3 (MANE Select); coding-DNA position 2096, C replaced by A.
Protein change: p.Pro699His; replaces proline 699 with histidine.
Molecular consequence: missense variant.
Genome position (GRCh38, 1-based): chr11:65,547,450, G>T on the plus strand (C>A on the coding strand, the complement: LTBP3 is on the minus strand). VCF-style: chr11-65547450-G-T. GRCh37 (hg19) VCF-style: chr11-65314921-G-T.
Other names: c.1745C>A, p.Pro582His (NM_001164266.1); c.2096C>A, p.Pro699His (NM_021070.4); short protein forms P582H, P699H.
Identifiers: ClinVar variation 4101315 (VCV004101315.1).

ClinVar aggregate classification (germline): Uncertain significance (1 of 4 stars; one submission).

Conditions:
Inborn genetic diseases. Identifiers: MedGen C0950123, MeSH D030342.

gnomAD v4.1: 2 of 1,613,806 alleles (0.00012%); highest among the groups gnomAD compares: Non-Finnish European, 0.00017%; no homozygotes.

Submission:

Ambry Genetics
Classification: Uncertain significance for Inborn genetic diseases. Last evaluated: 2025-08-03. Review status: criteria provided, single submitter. Criteria: Ambry Variant Classification Scheme 2023. Collection method: clinical testing. Allele origin: germline.
Comment: The p.P699H variant (also known as c.2096C>A), located in coding exon 14 of the LTBP3 gene, results from a C to A substitution at nucleotide position 2096. The proline at codon 699 is replaced by histidine, an amino acid with similar properties. This amino acid position is conserved. In addition, this alteration is predicted to be tolerated by in silico analysis. Based on the available evidence, the clinical significance of this variant remains unclear.